The following is an entry in ClinVar:

NM_000218.3(KCNQ1):c.427T>G (p.Ser143Ala)

Gene: KCNQ1 (potassium voltage-gated channel subfamily Q member 1; plus strand). Cytogenetic location: 11p15.5.
Variant type: single nucleotide variant.
Coding change: c.427T>G on transcript NM_000218.3 (MANE Select); coding-DNA position 427, T replaced by G.
Protein change: p.Ser143Ala; replaces serine 143 with alanine.
Molecular consequence: missense variant.
Genome position (GRCh38, 1-based): chr11:2,527,968, T>G. VCF-style: chr11-2527968-T-G. GRCh37 (hg19) VCF-style: chr11-2549198-T-G.
Other names: c.427T>G, p.Ser143Ala (NM_001406836.1, NM_001406838.1); c.157T>G, p.Ser53Ala (NM_001406837.1); c.46T>G, p.Ser16Ala (NM_181798.2); short protein forms S143A, S16A, S53A.
Identifiers: ClinVar variation 4538855 (VCV004538855.1).

ClinVar aggregate classification (germline): Uncertain significance (1 of 4 stars; one submission).

Submission:

GeneDx
Classification: Uncertain significance. Last evaluated: 2025-06-20. Review status: criteria provided, single submitter. Criteria: GeneDx Variant Classification Process June 2021. Collection method: clinical testing. Allele origin: germline. Affected: yes.
Comment: Not observed at significant frequency in large population cohorts (gnomAD); In silico analysis supports that this missense variant has a deleterious effect on protein structure/function; Has not been previously published as pathogenic or benign to our knowledge